The following is an entry in ClinVar:

NM_000807.4(GABRA2):c.755A>G (p.Tyr252Cys)

Gene: GABRA2 (gamma-aminobutyric acid type A receptor subunit alpha2; minus strand). Cytogenetic location: 4p12.
Variant type: single nucleotide variant.
Coding change: c.755A>G on transcript NM_000807.4 (MANE Select); coding-DNA position 755, A replaced by G.
Protein change: p.Tyr252Cys; replaces tyrosine 252 with cysteine.
Molecular consequence: missense variant.
Genome position (GRCh38, 1-based): chr4:46,303,561, T>C on the plus strand (A>G on the coding strand, the complement: GABRA2 is on the minus strand). VCF-style: chr4-46303561-T-C. GRCh37 (hg19) VCF-style: chr4-46305578-T-C.
Other names: c.755A>G, p.Tyr252Cys (NM_001114175.3, NM_001330690.2, NM_001377144.1 and 8 more transcripts); c.590A>G, p.Tyr197Cys (NM_001286827.3, NM_001377152.1, NM_001377153.1 and 1 more transcripts); short protein forms Y197C, Y252C.
Identifiers: ClinVar variation 3359615 (VCV003359615.1).

ClinVar aggregate classification (germline): Uncertain significance (1 of 4 stars; one submission).

Submission:

GeneDx
Classification: Uncertain significance. Last evaluated: 2023-06-06. Review status: criteria provided, single submitter. Criteria: GeneDx Variant Classification Process June 2021. Collection method: clinical testing. Allele origin: germline. Affected: yes.
Comment: Not observed at significant frequency in large population cohorts (gnomAD); In silico analysis supports that this missense variant has a deleterious effect on protein structure/function; Has not been previously published as pathogenic or benign to our knowledge